The following is an entry in ClinVar:

ClinVar aggregate classification (germline): Pathogenic/Likely pathogenic. Review status: criteria provided, multiple submitters, no conflicts (2 of 4 stars). 2 submissions from 2 submitters: Pathogenic (1); Likely pathogenic (1). Last evaluated 2024-09-03.

Conditions:
Histiocytic medullary reticulosis. Also called: SEVERE COMBINED IMMUNODEFICIENCY WITH HYPEREOSINOPHILIA; Omenn syndrome. Identifiers: Orphanet 39041, MedGen C2700553, MONDO:0011338, OMIM 603554.
Severe combined immunodeficiency, autosomal recessive, T cell-negative, B cell-negative, NK cell-positive. Also called: SCID, T CELL-NEGATIVE, B CELL-NEGATIVE, NK CELL-POSITIVE; SCID, AR, T-cell negative, B-cell negative, NK cell-positive; Severe combined immunodeficiency due to complete RAG1/2 deficiency. Identifiers: Orphanet 331206, MedGen C1832322, MONDO:0011086, OMIM 601457.
Combined immunodeficiency with skin granulomas. Identifiers: Orphanet 157949, MedGen C2673536, MONDO:0009306, OMIM 233650.

Submissions (2):

Natera, Inc.
Classification: Likely pathogenic for Omenn syndrome. Last evaluated: 2024-09-03. Review status: criteria provided, single submitter. Criteria: Natera Variant Classification Schema (03/2026). Collection method: clinical testing. Allele origin: germline.
Comment: The c.1131delC variant in RAG2 is a frameshift variant predicted to shift the reading frame beginning at codon 378 and leads to a stop codon 66 codons downstream. This variant is expected to result in nonsense mediated decay, truncation, or a dysfunctional protein product. This variant is rare in the general population with a frequency below the threshold expected for the associated phenotype(s). Given the available evidence, this variant is classified as Likely Pathogenic.

Labcorp Genetics (formerly Invitae), Labcorp
Classification: Pathogenic for Combined immunodeficiency with skin granulomas; Severe combined immunodeficiency, autosomal recessive, T cell-negative, B cell-negative, NK cell-positive. Last evaluated: 2023-12-10. Review status: criteria provided, single submitter. Criteria: Invitae Variant Classification Sherloc (09022015). Collection method: clinical testing. Allele origin: germline.
Comment: This sequence change creates a premature translational stop signal (p.Phe378Leufs*66) in the RAG2 gene. While this is not anticipated to result in nonsense mediated decay, it is expected to disrupt the last 150 amino acid(s) of the RAG2 protein. This variant is not present in population databases (gnomAD no frequency). This variant has not been reported in the literature in individuals affected with RAG2-related conditions. This variant disrupts a region of the RAG2 protein in which other variant(s) (p.Glu480*) have been determined to be pathogenic (PMID: 21624848, 29772310). This suggests that this is a clinically significant region of the protein, and that variants that disrupt it are likely to be disease-causing. For these reasons, this variant has been classified as Pathogenic.

Literature cited by the submitters: PubMed 21624848 (cited by Labcorp Genetics (formerly Invitae), Labcorp); PubMed 29772310 (cited by Labcorp Genetics (formerly Invitae), Labcorp).

NM_000536.4(RAG2):c.1131del (p.Phe378fs)

Gene: RAG2 (recombination activating 2; minus strand). Cytogenetic location: 11p12.
Variant type: Deletion.
Coding change: c.1131del on transcript NM_000536.4 (MANE Select); coding-DNA position 1131, one base deleted (C; older notation c.1131delC).
Protein change: p.Phe378fs; shifts the reading frame from phenylalanine 378.
Molecular consequence: frameshift variant.
Genome position (GRCh38, 1-based): chr11:36,593,038, G deleted on the plus strand (C on the coding strand, the reverse complement: RAG2 is on the minus strand); the first of 3 consecutive G bases (chr11:36,593,038-36,593,040); deleting any one gives the same sequence. VCF-style (leftmost placement, unchanged base first): chr11-36593037-AG-A. GRCh37 (hg19) VCF-style: chr11-36614587-AG-A.
Other names: c.1131delC (NM_000536.3); c.1131del, p.Phe378fs (NM_001243785.2, NM_001243786.2); short protein forms F378fs.
Identifiers: ClinVar variation 2939601 (VCV002939601.4), dbSNP rs2494790291, ClinGen allele CA2740093708.
Genomic context (GRCh38, chr11:36,593,037, plus strand): 5'-CATCATCACCATCAAAACTATTTGCTTCTGCACTGAAACAAAATTCTTCAGAGTCTTCAA[AG>A]GGAGTGGAATCCCCTGGATCTTCTGTTGATGTTTGACTGTTTGTGAATGTTGTCTGCTCT-3'